The following is an entry in ClinVar:

NM_000587.4(C7):c.1136G>T (p.Gly379Val)

Gene: C7 (complement C7; plus strand). Cytogenetic location: 5p13.1.
Variant type: single nucleotide variant.
Coding change: c.1136G>T on transcript NM_000587.4 (MANE Select); coding-DNA position 1136, G replaced by T.
Protein change: p.Gly379Val; replaces glycine 379 with valine.
Molecular consequence: missense variant.
Genome position (GRCh38, 1-based): chr5:40,955,429, G>T. VCF-style: chr5-40955429-G-T. GRCh37 (hg19) VCF-style: chr5-40955531-G-T.
Other names: short protein forms G379V.
Identifiers: ClinVar variation 1469538 (VCV001469538.3), dbSNP rs773461229, ClinGen allele CA359584710.

ClinVar aggregate classification (germline): Uncertain significance (1 of 4 stars; one submission).

Submission:

Labcorp Genetics (formerly Invitae), Labcorp
Classification: Uncertain significance. Last evaluated: 2021-10-07. Review status: criteria provided, single submitter. Criteria: Invitae Variant Classification Sherloc (09022015). Collection method: clinical testing. Allele origin: germline.
Comment: This sequence change replaces glycine with valine at codon 379 of the C7 protein (p.Gly379Val). The glycine residue is highly conserved and there is a moderate physicochemical difference between glycine and valine. This variant is not present in population databases (ExAC no frequency). This variant has not been reported in the literature in individuals affected with C7-related conditions. Algorithms developed to predict the effect of missense changes on protein structure and function are either unavailable or do not agree on the potential impact of this missense change (SIFT: "Deleterious"; PolyPhen-2: "Probably Damaging"; Align-GVGD: "Class C0"). This variant disrupts the p.Gly379 amino acid residue in C7. Other variant(s) that disrupt this residue have been determined to be pathogenic (PMID: 9218625, 12869030, 15554930). This suggests that this residue is clinically significant, and that variants that disrupt this residue are likely to be disease-causing. In summary, the available evidence is currently insufficient to determine the role of this variant in disease. Therefore, it has been classified as a Variant of Uncertain Significance.

Literature cited by the submitters: PubMed 9218625; PubMed 12869030; PubMed 15554930.